The following is an entry in ClinVar:

ClinVar aggregate classification (germline): Likely pathogenic (1 of 4 stars; one submission).

Allele frequency attached by ClinVar (database versions not stated): gnomAD exomes below 0.00001; TOPMed below 0.00001.
gnomAD v4.1: 1 of 1,533,456 alleles (0.000065%); highest among the groups gnomAD compares: Non-Finnish European, 0.00009%; no homozygotes.

Submission:

Labcorp Genetics (formerly Invitae), Labcorp
Classification: Likely pathogenic. Last evaluated: 2022-10-26. Review status: criteria provided, single submitter. Criteria: Invitae Variant Classification Sherloc (09022015). Collection method: clinical testing. Allele origin: germline.
Comment: In summary, the currently available evidence indicates that the variant is pathogenic, but additional data are needed to prove that conclusively. Therefore, this variant has been classified as Likely Pathogenic. Algorithms developed to predict the effect of sequence changes on RNA splicing suggest that this variant may disrupt the consensus splice site. This variant has not been reported in the literature in individuals affected with RIPK1-related conditions. This variant is not present in population databases (gnomAD no frequency). This sequence change affects a donor splice site in intron 7 of the RIPK1 gene. It is expected to disrupt RNA splicing. Variants that disrupt the donor or acceptor splice site typically lead to a loss of protein function (PMID: 16199547), and loss-of-function variants in RIPK1 are known to be pathogenic (PMID: 31213653).

Literature cited by the submitters: PubMed 16199547; PubMed 31213653.

NM_001354930.2(RIPK1):c.915+1G>A

Gene: RIPK1 (receptor interacting serine/threonine kinase 1; plus strand). Cytogenetic location: 6p25.2.
Variant type: single nucleotide variant.
Coding change: c.915+1G>A on transcript NM_001354930.2 (MANE Select); the canonical splice donor site of the intron after coding-DNA position 915, G replaced by A.
Molecular consequence: splice donor variant.
Genome position (GRCh38, 1-based): chr6:3,089,658, G>A. VCF-style: chr6-3089658-G-A. GRCh37 (hg19) VCF-style: chr6-3089892-G-A.
Other names: c.426+1G>A (NM_001317061.3, NM_001354932.2, NM_001354934.2 and 1 more transcripts); c.915+1G>A (NM_003804.6); c.777+1G>A (NM_001354931.2).
Identifiers: ClinVar variation 2809856 (VCV002809856.3), dbSNP rs1759919516, ClinGen allele CA362583378.
Genomic context (GRCh38, chr6:3,089,658, plus strand): 5'-AGGCCTTTTTATTTAAGTCAATTAGAAGAAAGTGTAGAAGAGGACGTGAAGAGTTTAAAG[G>A]TAGGCAATATAGCAGATGCTCAAAATATTAACATAGCAAAATATATACTGTCAATCATGA-3'